The following is an entry in ClinVar:

NM_003801.4(GPAA1):c.43del (p.Arg15fs)

Genes: GPAA1 (glycosylphosphatidylinositol anchor attachment 1; plus strand), LOC130001364 (ATAC-STARR-seq lymphoblastoid silent region 19654; plus strand). Cytogenetic location: 8q24.3.
Variant type: Deletion.
Coding change: c.43del on transcript NM_003801.4 (MANE Select); coding-DNA position 43, one base deleted (C; older notation c.43delC).
Protein change: p.Arg15fs; shifts the reading frame from arginine 15.
Molecular consequence: frameshift variant.
Genome position (GRCh38, 1-based): chr8:144,082,773, C deleted; the last of 3 consecutive C bases (chr8:144,082,771-144,082,773); deleting any one gives the same sequence. VCF-style (leftmost placement, unchanged base first): chr8-144082770-GC-G. GRCh37 (hg19) VCF-style: chr8-145137673-GC-G.
Other names: short protein forms R15fs.
Identifiers: ClinVar variation 1451609 (VCV001451609.7), dbSNP rs2129936761, ClinGen allele CA2573142898.

ClinVar aggregate classification (germline): Pathogenic/Likely pathogenic. Review status: criteria provided, multiple submitters, no conflicts (2 of 4 stars). 2 submissions from 2 submitters: Pathogenic (1); Likely pathogenic (1). Last evaluated 2024-05-28.

Conditions:
Glycosylphosphatidylinositol biosynthesis defect 15. Also called: DEVELOPMENTAL DELAY, EPILEPSY, CEREBELLAR ATROPHY, AND OSTEOPENIA. Identifiers: Orphanet 529665, MedGen C4540520, MONDO:0060627, OMIM 617810.

Submissions (2):

Greenwood Genetic Center Diagnostic Laboratories, Greenwood Genetic Center
Classification: Likely pathogenic for Glycosylphosphatidylinositol biosynthesis defect 15. Last evaluated: 2024-05-28. Review status: criteria provided, single submitter. Criteria: ACMG Guidelines, 2015. Collection method: clinical testing. Allele origin: germline. Affected: yes.
Comment: PVS1, PM2

Labcorp Genetics (formerly Invitae), Labcorp
Classification: Pathogenic. Last evaluated: 2022-07-05. Review status: criteria provided, single submitter. Criteria: Invitae Variant Classification Sherloc (09022015). Collection method: clinical testing. Allele origin: germline.
Comment: This sequence change creates a premature translational stop signal (p.Arg15Alafs*2) in the GPAA1 gene. It is expected to result in an absent or disrupted protein product. Loss-of-function variants in GPAA1 are known to be pathogenic (PMID: 29100095). For these reasons, this variant has been classified as Pathogenic. ClinVar contains an entry for this variant (Variation ID: 1451609). This variant has not been reported in the literature in individuals affected with GPAA1-related conditions. This variant is not present in population databases (gnomAD no frequency).

Literature cited by the submitters: PubMed 29100095 (cited by Labcorp Genetics (formerly Invitae), Labcorp).